The following is an entry in ClinVar:

NM_000540.3(RYR1):c.9731C>T (p.Pro3244Leu)

Gene: RYR1 (ryanodine receptor 1; plus strand). Cytogenetic location: 19q13.2.
Variant type: single nucleotide variant.
Coding change: c.9731C>T on transcript NM_000540.3 (MANE Select); coding-DNA position 9731, C replaced by T.
Protein change: p.Pro3244Leu; replaces proline 3244 with leucine.
Molecular consequence: missense variant.
Genome position (GRCh38, 1-based): chr19:38,517,404, C>T. VCF-style: chr19-38517404-C-T. GRCh37 (hg19) VCF-style: chr19-39008044-C-T.
Other names: c.9731C>T (NM_000540.2); c.9731C>T, p.Pro3244Leu (NM_001042723.2); short protein forms P3244L.
Identifiers: ClinVar variation 1346888 (VCV001346888.9), dbSNP rs966321446, ClinGen allele CA308129707.

ClinVar aggregate classification (germline): Uncertain significance. Review status: criteria provided, multiple submitters, no conflicts (2 of 4 stars). 4 submissions from 4 submitters: Uncertain significance (4). Last evaluated 2026-07-07.

Conditions:
Congenital myopathy with fiber type disproportion. Also called: Congenital fiber-type disproportion; Congenital fiber-type disproportion myopathy. Identifiers: Orphanet 2020, MedGen C0546264, MONDO:0009711. Inheritance: all.
Malignant hyperthermia, susceptibility to, 1 (MHS1). Also called: RYR1-Related Malignant Hyperthermia Susceptibility; Anesthesia related hyperthermia; Malignant hyperpyrexia; Fulminating hyperpyrexia; Pharmacogenic myopathy; Malignant hyperthermia suceptibility 1. Identifiers: Orphanet 423, MedGen C2930980, MONDO:0007783, OMIM 145600.
King Denborough syndrome (KDS). Identifiers: MedGen C1840365, MONDO:0020485, OMIM 619542.
Central core myopathy (CMYO1A). Also called: Central core disease; Myopathy, central fibrillar; CONGENITAL MYOPATHY 1A, AUTOSOMAL DOMINANT, WITH SUSCEPTIBILITY TO MALIGNANT HYPERTHERMIA. Identifiers: Orphanet 597, MedGen C5830701, MONDO:0007294, OMIM 117000.
Congenital multicore myopathy with external ophthalmoplegia (CMYO1B). Also called: Minicore myopathy with external ophthalmoplegia; MULTIMINICORE DISEASE WITH EXTERNAL OPHTHALMOPLEGIA; Congenital myopathy 1B, autosomal recessive; Minicore myopathy; MULTICORE MYOPATHY. Identifiers: Orphanet 598, Orphanet 98905, MedGen C1850674, MONDO:0009712, OMIM 255320, HP:0003789.
RYR1-related disorder. Also called: RYR1-related condition; RYR1-related disorders. Identifiers: MedGen CN239331.
Inborn genetic diseases. Identifiers: MedGen C0950123, MeSH D030342.

Allele frequency attached by ClinVar (database versions not stated): gnomAD exomes 0.00001 and below 0.00001; TOPMed 0.00005; gnomAD 0.00006 and 0.00005.
gnomAD v4.1: 21 of 1,613,926 alleles (0.0013%); highest among the groups gnomAD compares: Middle Eastern, 0.033%; no homozygotes.

Submissions (4):

Ambry Genetics
Classification: Uncertain significance for Inborn genetic diseases. Last evaluated: 2026-07-07. Review status: criteria provided, single submitter. Criteria: Ambry Variant Classification Scheme 2023. Collection method: clinical testing. Allele origin: germline.
Comment: The p.P3244L variant (also known as c.9731C>T), located in coding exon 66 of the RYR1 gene, results from a C to T substitution at nucleotide position 9731. The proline at codon 3244 is replaced by leucine, an amino acid with similar properties. This amino acid position is conserved. In addition, the in silico prediction for this alteration is inconclusive. Based on the available evidence, the clinical significance of this variant remains unclear.

Labcorp Genetics (formerly Invitae), Labcorp
Classification: Uncertain significance for RYR1-related disorder. Last evaluated: 2025-10-02. Review status: criteria provided, single submitter. Criteria: Invitae Variant Classification Sherloc (09022015). Collection method: clinical testing. Allele origin: germline.
Comment: This sequence change replaces proline, which is neutral and non-polar, with leucine, which is neutral and non-polar, at codon 3244 of the RYR1 protein (p.Pro3244Leu). This variant is present in population databases (no rsID available, gnomAD 0.004%). This variant has not been reported in the literature in individuals affected with RYR1-related conditions. ClinVar contains an entry for this variant (Variation ID: 1346888). Invitae Evidence Modeling of protein sequence and biophysical properties (such as structural, functional, and spatial information, amino acid conservation, physicochemical variation, residue mobility, and thermodynamic stability) indicates that this missense variant is expected to disrupt RYR1 protein function with a positive predictive value of 80%. In summary, the available evidence is currently insufficient to determine the role of this variant in disease. Therefore, it has been classified as a Variant of Uncertain Significance.

Color Diagnostics, LLC DBA Color Health
Classification: Uncertain significance for Malignant hyperthermia, susceptibility to, 1. Last evaluated: 2024-02-21. Review status: criteria provided, single submitter. Criteria: ACMG Guidelines, 2015. Collection method: clinical testing. Allele origin: germline.
Comment: This missense variant replaces proline with leucine at codon 3244 of the RYR1 protein. Computational prediction is inconclusive regarding the impact of this variant on protein structure and function. To our knowledge, functional studies have not been reported for this variant. This variant has not been reported in individuals affected with RYR1-related disorders in the literature. This variant has been identified in 2/280368 chromosomes in the general population by the Genome Aggregation Database (gnomAD). The available evidence is insufficient to determine the role of this variant in disease conclusively. Therefore, this variant is classified as a Variant of Uncertain Significance.

Fulgent Genetics
Classification: Uncertain significance for Central core myopathy; Malignant hyperthermia, susceptibility to, 1; Congenital myopathy 4A, autosomal dominant; Congenital multicore myopathy with external ophthalmoplegia; King Denborough syndrome. Last evaluated: 2021-08-11. Review status: criteria provided, single submitter. Criteria: ACMG Guidelines, 2015. Collection method: clinical testing. Allele origin: unknown.